The following is an entry in ClinVar:

ClinVar aggregate classification (germline): Pathogenic (1 of 4 stars; one submission).

Conditions:
Osteogenesis imperfecta type I (OI1). Also called: Lobstein's Disease; OI, TYPE I; OSTEOGENESIS IMPERFECTA TARDA; OSTEOGENESIS IMPERFECTA WITH BLUE SCLERAE; Osteogenesis imperfecta type 1; Lobstein disease. Identifiers: Orphanet 216796, Orphanet 666, MedGen C0023931, MONDO:0008146, OMIM 166200. Disease mechanism: loss of function.
Ehlers-Danlos syndrome, classic type, 1 (EDSCL1). Also called: Ehlers-Danlos syndrome, type 1; EHLERS-DANLOS SYNDROME, GRAVIS TYPE; EHLERS-DANLOS SYNDROME, SEVERE CLASSIC TYPE; EDS I; Ehlers-Danlos Syndrome, Classic Type, COL5A1-Related. Identifiers: MedGen C0268335, MONDO:0019567, OMIM 130000.

Submission:

Labcorp Genetics (formerly Invitae), Labcorp
Classification: Pathogenic for Osteogenesis imperfecta type I; Ehlers-Danlos syndrome, classic type, 1. Last evaluated: 2025-02-10. Review status: criteria provided, single submitter. Criteria: Invitae Variant Classification Sherloc (09022015). Collection method: clinical testing. Allele origin: germline.
Comment: This sequence change replaces glycine, which is neutral and non-polar, with valine, which is neutral and non-polar, at codon 751 of the COL1A2 protein (p.Gly751Val). This variant is not present in population databases (gnomAD no frequency). This missense change has been observed in individual(s) with osteogenesis imperfecta (PMID: 24668929, 34902613). In at least one individual the variant was observed to be de novo. ClinVar contains an entry for this variant (Variation ID: 965406). Invitae Evidence Modeling of protein sequence and biophysical properties (such as structural, functional, and spatial information, amino acid conservation, physicochemical variation, residue mobility, and thermodynamic stability) indicates that this missense variant is expected to disrupt COL1A2 protein function with a positive predictive value of 95%. This variant disrupts the triple helix domain of COL1A2. Glycine residues within the Gly-Xaa-Yaa repeats of the triple helix domain are required for the structure and stability of fibrillar collagens (PMID: 7695699, 8218237, 19344236). In COL1A2, variants affecting these glycine residues are significantly enriched in individuals with disease (PMID: 9016532, 17078022) compared to the general population (ExAC). For these reasons, this variant has been classified as Pathogenic.

Literature cited by the submitters: PubMed 24668929; PubMed 34902613; PubMed 7695699; PubMed 8218237; PubMed 19344236; PubMed 9016532; PubMed 17078022.

NM_000089.4(COL1A2):c.2252G>T (p.Gly751Val)

Gene: COL1A2 (collagen type I alpha 2 chain; plus strand). Cytogenetic location: 7q21.3.
Variant type: single nucleotide variant.
Coding change: c.2252G>T on transcript NM_000089.4 (MANE Select); coding-DNA position 2252, G replaced by T.
Protein change: p.Gly751Val; replaces glycine 751 with valine.
Molecular consequence: missense variant.
Genome position (GRCh38, 1-based): chr7:94,420,605, G>T. VCF-style: chr7-94420605-G-T. GRCh37 (hg19) VCF-style: chr7-94049917-G-T.
Other names: short protein forms G751V.
Identifiers: ClinVar variation 965406 (VCV000965406.7), dbSNP rs1792139807, ClinGen allele CA368223566.